The following is an entry in ClinVar:

NM_001114753.3(ENG):c.1592G>A (p.Ser531Asn)

Genes: ENG (endoglin; minus strand), LOC102723566 (uncharacterized LOC102723566; plus strand). Cytogenetic location: 9q34.11.
Variant type: single nucleotide variant.
Coding change: c.1592G>A on transcript NM_001114753.3 (MANE Select); coding-DNA position 1592, G replaced by A.
Protein change: p.Ser531Asn; replaces serine 531 with asparagine.
Molecular consequence: missense variant.
Genome position (GRCh38, 1-based): chr9:127,818,214, C>T on the plus strand (G>A on the coding strand, the complement: ENG is on the minus strand). VCF-style: chr9-127818214-C-T. GRCh37 (hg19) VCF-style: chr9-130580493-C-T.
Other names: c.1592G>A, p.Ser531Asn (NM_000118.4); c.1046G>A, p.Ser349Asn (NM_001278138.2); short protein forms S531N, S349N.
Identifiers: ClinVar variation 458339 (VCV000458339.45), dbSNP rs780884220, ClinGen allele CA5252721.

ClinVar aggregate classification (germline): Uncertain significance (1 of 4 stars; one submission).

Conditions:
Hereditary hemorrhagic telangiectasia (HHT). Also called: ORW DISEASE; Osler Weber Rendu syndrome; OSLER-RENDU-WEBER DISEASE; Osler hemorrhagic telangiectasia syndrome. Identifiers: Orphanet 774, MedGen C0039445, MONDO:0019180. Disease mechanism: loss of function.

Allele frequency attached by ClinVar (database versions not stated): ExAC 0.00001; gnomAD exomes 0.00001.
gnomAD v4.1: 7 of 1,614,174 alleles (0.00043%); highest among the groups gnomAD compares: Middle Eastern, 0.049%; no homozygotes.

Submission:

Labcorp Genetics (formerly Invitae), Labcorp
Classification: Uncertain significance for Hereditary hemorrhagic telangiectasia. Last evaluated: 2022-01-13. Review status: criteria provided, single submitter. Criteria: Invitae Variant Classification Sherloc (09022015). Collection method: clinical testing. Allele origin: germline.
Comment: This sequence change replaces serine, which is neutral and polar, with asparagine, which is neutral and polar, at codon 531 of the ENG protein (p.Ser531Asn). This variant is present in population databases (rs780884220, gnomAD 0.0009%). This variant has not been reported in the literature in individuals affected with ENG-related conditions. ClinVar contains an entry for this variant (Variation ID: 458339). Algorithms developed to predict the effect of missense changes on protein structure and function are either unavailable or do not agree on the potential impact of this missense change (SIFT: "Tolerated"; PolyPhen-2: "Possibly Damaging"; Align-GVGD: "Class C0"). In summary, the available evidence is currently insufficient to determine the role of this variant in disease. Therefore, it has been classified as a Variant of Uncertain Significance.